The following is an entry in ClinVar:

NM_004963.4(GUCY2C):c.2108C>A (p.Pro703His)

Gene: GUCY2C (guanylate cyclase 2C; minus strand). Cytogenetic location: 12p12.3.
Variant type: single nucleotide variant.
Coding change: c.2108C>A on transcript NM_004963.4 (MANE Select); coding-DNA position 2108, C replaced by A.
Protein change: p.Pro703His; replaces proline 703 with histidine.
Molecular consequence: missense variant.
Genome position (GRCh38, 1-based): chr12:14,639,911, G>T on the plus strand (C>A on the coding strand, the complement: GUCY2C is on the minus strand). VCF-style: chr12-14639911-G-T. GRCh37 (hg19) VCF-style: chr12-14792845-G-T.
Other names: short protein forms P703H.
Identifiers: ClinVar variation 1483600 (VCV001483600.8), dbSNP rs893949046, ClinGen allele CA233191925.

ClinVar aggregate classification (germline): Uncertain significance (1 of 4 stars; one submission).

gnomAD v4.1: 11 of 1,611,594 alleles (0.00068%); highest among the groups gnomAD compares: Non-Finnish European, 0.00093%; no homozygotes.

Submission:

Labcorp Genetics (formerly Invitae), Labcorp
Classification: Uncertain significance. Last evaluated: 2025-02-25. Review status: criteria provided, single submitter. Criteria: Invitae Variant Classification Sherloc (09022015). Collection method: clinical testing. Allele origin: germline.
Comment: This sequence change replaces proline, which is neutral and non-polar, with histidine, which is basic and polar, at codon 703 of the GUCY2C protein (p.Pro703His). This variant is not present in population databases (gnomAD no frequency). This variant has not been reported in the literature in individuals affected with GUCY2C-related conditions. ClinVar contains an entry for this variant (Variation ID: 1483600). Invitae Evidence Modeling of protein sequence and biophysical properties (such as structural, functional, and spatial information, amino acid conservation, physicochemical variation, residue mobility, and thermodynamic stability) indicates that this missense variant is not expected to disrupt GUCY2C protein function with a negative predictive value of 80%. In summary, the available evidence is currently insufficient to determine the role of this variant in disease. Therefore, it has been classified as a Variant of Uncertain Significance.